The following is an entry in ClinVar:

ClinVar aggregate classification (germline): Uncertain significance (1 of 4 stars; one submission).

Allele frequency attached by ClinVar (database versions not stated): TOPMed 0.00001.

Submission:

Labcorp Genetics (formerly Invitae), Labcorp
Classification: Uncertain significance. Last evaluated: 2022-03-22. Review status: criteria provided, single submitter. Criteria: Invitae Variant Classification Sherloc (09022015). Collection method: clinical testing. Allele origin: germline.
Comment: In summary, the available evidence is currently insufficient to determine the role of this variant in disease. Therefore, it has been classified as a Variant of Uncertain Significance. Algorithms developed to predict the effect of missense changes on protein structure and function are either unavailable or do not agree on the potential impact of this missense change (SIFT: "Tolerated"; PolyPhen-2: "Not Available"; Align-GVGD: "Class C0"). This variant has not been reported in the literature in individuals affected with PCDH15-related conditions. This variant is not present in population databases (gnomAD no frequency). This sequence change replaces serine, which is neutral and polar, with proline, which is neutral and non-polar, at codon 1952 of the PCDH15 protein (p.Ser1952Pro).

NM_033056.4(PCDH15):c.5854T>C (p.Ser1952Pro)

Gene: PCDH15 (protocadherin related 15; minus strand). Cytogenetic location: 10q21.1.
Variant type: single nucleotide variant.
Coding change: c.5854T>C on transcript NM_033056.4 (MANE Plus Clinical); coding-DNA position 5854, T replaced by C.
Protein change: p.Ser1952Pro; replaces serine 1952 with proline.
Molecular consequence: missense variant. On other transcripts: intron variant (8).
Genome position (GRCh38, 1-based): chr10:53,821,872, A>G on the plus strand (T>C on the coding strand, the complement: PCDH15 is on the minus strand). VCF-style: chr10-53821872-A-G. GRCh37 (hg19) VCF-style: chr10-55581632-A-G.
Other names: c.5875T>C, p.Ser1959Pro (NM_001142763.2); c.5860T>C, p.Ser1954Pro (NM_001142764.2); c.5647T>C, p.Ser1883Pro (NM_001142765.2); c.5845T>C, p.Ser1949Pro (NM_001142766.2); c.5734T>C, p.Ser1912Pro (NM_001142767.2); c.5794T>C, p.Ser1932Pro (NM_001142768.2); c.5785T>C, p.Ser1929Pro (NM_001142773.2); c.5788T>C, p.Ser1930Pro (NM_001354404.2); and 7 more; short protein forms S1883P, S1952P, S1929P, S1949P, S1959P, S1912P, S1930P, S1932P.
Identifiers: ClinVar variation 2161399 (VCV002161399.2), dbSNP rs2076289217, ClinGen allele CA376524062.